The following is an entry in ClinVar:

ClinVar aggregate classification (germline): Uncertain significance (1 of 4 stars; one submission).

Conditions:
Hereditary cancer-predisposing syndrome. Also called: Neoplastic Syndromes, Hereditary; Tumor predisposition; Hereditary neoplastic syndrome; Hereditary Cancer Syndrome. Identifiers: Orphanet 140162, MedGen C0027672, MeSH D009386, MONDO:0015356.

Submission:

Ambry Genetics
Classification: Uncertain significance for Hereditary cancer-predisposing syndrome. Last evaluated: 2023-02-23. Review status: criteria provided, single submitter. Criteria: Ambry Variant Classification Scheme 2023. Collection method: clinical testing. Allele origin: germline.
Comment: The p.G2141S variant (also known as c.6421G>A), located in coding exon 10 of the BRCA2 gene, results from a G to A substitution at nucleotide position 6421. The glycine at codon 2141 is replaced by serine, an amino acid with similar properties. This amino acid position is conserved. In addition, this alteration is predicted to be tolerated by in silico analysis. Since supporting evidence is limited at this time, the clinical significance of this alteration remains unclear.

NM_000059.4(BRCA2):c.6421G>A (p.Gly2141Ser)

Gene: BRCA2 (BRCA2 DNA repair associated; plus strand). Cytogenetic location: 13q13.1.
Variant type: single nucleotide variant.
Coding change: c.6421G>A on transcript NM_000059.4 (MANE Select); coding-DNA position 6421, G replaced by A.
Protein change: p.Gly2141Ser; replaces glycine 2141 with serine.
Molecular consequence: missense variant. On other transcripts: non-coding transcript variant (1), intron variant (2).
Genome position (GRCh38, 1-based): chr13:32,340,776, G>A. VCF-style: chr13-32340776-G-A. GRCh37 (hg19) VCF-style: chr13-32914913-G-A.
Other names: c.6421G>A, p.Gly2141Ser (NM_001406719.1, NM_001406720.1); c.1910-3782G>A (NM_001406721.1); c.425-3782G>A (NM_001406722.1); short protein forms G2141S.
Identifiers: ClinVar variation 2451566 (VCV002451566.2), dbSNP rs907252547, ClinGen allele CA387789277.
Genomic context (GRCh38, chr13:32,340,776, plus strand): 5'-GAAATGGAAAAAACCTGCAGTAAAGAATTTAAATTATCAAATAACTTAAATGTTGAAGGT[G>A]GTTCTTCAGAAAATAATCACTCTATTAAAGTTTCTCCATATCTCTCTCAATTTCAACAAG-3'
Protein context (NP_000050.3, residues 2131-2151): KLSNNLNVEG[Gly2141Ser]SSENNHSIKV